The following is an entry in ClinVar:

NM_018406.7(MUC4):c.10220T>C (p.Met3407Thr)

Gene: MUC4 (mucin 4, cell surface associated). Cytogenetic location: 3q29.
Variant type: single nucleotide variant.
Coding change: c.10220T>C on transcript NM_018406.7 (MANE Select); coding-DNA position 10220, T replaced by C.
Protein change: p.Met3407Thr; replaces methionine 3407 with threonine.
Molecular consequence: missense variant. On other transcripts: no sequence alteration (1), genic upstream transcript variant (2).
Genome position (GRCh38, 1-based): chr3:195,781,360, A>G on the plus strand (T>C on the coding strand, the complement: MUC4 is on the minus strand). VCF-style: chr3-195781360-A-G. GRCh37 (hg19) VCF-style: chr3-195508231-A-G.
Other names: c.14990=, p.Thr4997= (NM_001322468.1); c.83-7055T>C (NM_138297.5); c.83-2905T>C (NM_004532.6); short protein forms M3407T.
Identifiers: ClinVar variation 2654429 (VCV002654429.24), dbSNP rs1195070757, ClinGen allele CA2770381.

ClinVar aggregate classification (germline): Likely benign (1 of 4 stars; one submission).

Allele frequency attached by ClinVar (database versions not stated): ExAC 0.00199.

Submission:

CeGaT Center for Human Genetics Tuebingen
Classification: Likely benign. Last evaluated: 2023-08-01. Review status: criteria provided, single submitter. Criteria: CeGaT Center For Human Genetics Tuebingen Variant Classification Criteria Version 2. Collection method: clinical testing. Allele origin: germline. Affected: yes. Observed: 2 variant alleles.
Comment: MUC4: BP4, BS2